The following is an entry in ClinVar:

ClinVar aggregate classification (germline): Pathogenic (1 of 4 stars; one submission).

Conditions:
Neu-Laxova syndrome 2. Identifiers: Orphanet 2671, Orphanet 583602, MedGen C4015019, MONDO:0014466, OMIM 616038.

Allele frequency attached by ClinVar (database versions not stated): gnomAD 0.00002 and 0.00010; TOPMed 0.00011.
gnomAD v4.1: 15 of 1,612,186 alleles (0.00093%); highest among the groups gnomAD compares: South Asian, 0.0011%; no homozygotes.

Submission:

Labcorp Genetics (formerly Invitae), Labcorp
Classification: Pathogenic for Neu-Laxova syndrome 2. Last evaluated: 2025-07-14. Review status: criteria provided, single submitter. Criteria: Invitae Variant Classification Sherloc (09022015). Collection method: clinical testing. Allele origin: germline.
Comment: This sequence change creates a premature translational stop signal (p.Trp140*) in the PSAT1 gene. It is expected to result in an absent or disrupted protein product. Loss-of-function variants in PSAT1 are known to be pathogenic (PMID: 17436247, 25152457). This variant is present in population databases (no rsID available, gnomAD 0.007%). This variant has not been reported in the literature in individuals affected with PSAT1-related conditions. ClinVar contains an entry for this variant (Variation ID: 654599). For these reasons, this variant has been classified as Pathogenic.

Literature cited by the submitters: PubMed 17436247; PubMed 25152457.

NM_058179.4(PSAT1):c.420G>A (p.Trp140Ter)

Gene: PSAT1 (phosphoserine aminotransferase 1; plus strand). Cytogenetic location: 9q21.2.
Variant type: single nucleotide variant.
Coding change: c.420G>A on transcript NM_058179.4 (MANE Select); coding-DNA position 420, G replaced by A.
Protein change: p.Trp140Ter; replaces tryptophan 140 with a stop codon.
Molecular consequence: nonsense.
Genome position (GRCh38, 1-based): chr9:78,306,336, G>A. VCF-style: chr9-78306336-G-A. GRCh37 (hg19) VCF-style: chr9-80921252-G-A.
Other names: c.420G>A, p.Trp140Ter (NM_021154.5); short protein forms W140*.
Identifiers: ClinVar variation 654599 (VCV000654599.8), dbSNP rs1008314756, ClinGen allele CA194442318.